The following is an entry in ClinVar:

NM_003072.5(SMARCA4):c.2352G>C (p.Gly784=)

Gene: SMARCA4 (SWI/SNF related BAF chromatin remodeling complex subunit ATPase 4; plus strand). Cytogenetic location: 19p13.2.
Variant type: single nucleotide variant.
Coding change: c.2352G>C on transcript NM_003072.5 (MANE Select); coding-DNA position 2352, G replaced by C.
Protein change: p.Gly784=; no amino-acid change (glycine 784 retained).
Molecular consequence: synonymous variant. On other transcripts: non-coding transcript variant (1).
Genome position (GRCh38, 1-based): chr19:11,013,026, G>C. VCF-style: chr19-11013026-G-C. GRCh37 (hg19) VCF-style: chr19-11123702-G-C.
Other names: c.2352G>C, p.Gly784= (NM_001128844.3, NM_001128845.2, NM_001128846.2 and 6 more transcripts).
Identifiers: ClinVar variation 4084815 (VCV004084815.8).

ClinVar aggregate classification (germline): Likely benign (1 of 4 stars; one submission).

Submission:

CeGaT Center for Human Genetics Tuebingen
Classification: Likely benign. Last evaluated: 2025-08-01. Review status: criteria provided, single submitter. Criteria: CeGaT Center For Human Genetics Tuebingen Variant Classification Criteria Version 2. Collection method: clinical testing. Allele origin: germline. Affected: yes. Observed: 1 variant allele.
Comment: SMARCA4: PM2:Supporting, BP4, BP7